The following is an entry in ClinVar:

ClinVar aggregate classification (germline): Uncertain significance. Review status: criteria provided, multiple submitters, no conflicts (2 of 4 stars). 2 submissions from 2 submitters: Uncertain significance (2). Last evaluated 2024-10-28.

Conditions:
Gnathodiaphyseal dysplasia (GDD). Also called: GNATHODIAPHYSEAL SCLEROSIS; OSTEOGENESIS IMPERFECTA WITH UNUSUAL SKELETAL LESIONS. Identifiers: Orphanet 53697, MedGen C1833736, MONDO:0008151, OMIM 166260.
Autosomal recessive limb-girdle muscular dystrophy type 2L (LGMDR12). Also called: Limb-Girdle Muscular Dystrophy R12 Anoctamin-5-Related (LGMD-R12); Limb-girdle muscular dystrophy, type 2L; MUSCULAR DYSTROPHY, LIMB-GIRDLE, AUTOSOMAL RECESSIVE 12. Identifiers: Orphanet 206549, MedGen C1969785, MONDO:0012652, OMIM 611307.
Autosomal recessive limb-girdle muscular dystrophy. Identifiers: Orphanet 102015, MedGen C2931907, MONDO:0015152.

Allele frequency attached by ClinVar (database versions not stated): gnomAD exomes below 0.00001.
gnomAD v4.1: 1 of 1,608,472 alleles (0.000062%); highest among the groups gnomAD compares: Non-Finnish European, 0.000085%; no homozygotes.

Submissions (2):

Labcorp Genetics (formerly Invitae), Labcorp
Classification: Uncertain significance for Autosomal recessive limb-girdle muscular dystrophy type 2L; Gnathodiaphyseal dysplasia. Last evaluated: 2024-10-28. Review status: criteria provided, single submitter. Criteria: Invitae Variant Classification Sherloc (09022015). Collection method: clinical testing. Allele origin: germline.
Comment: This sequence change replaces isoleucine, which is neutral and non-polar, with valine, which is neutral and non-polar, at codon 837 of the ANO5 protein (p.Ile837Val). This variant is not present in population databases (gnomAD no frequency). This variant has not been reported in the literature in individuals affected with ANO5-related conditions. ClinVar contains an entry for this variant (Variation ID: 2142035). Invitae Evidence Modeling of protein sequence and biophysical properties (such as structural, functional, and spatial information, amino acid conservation, physicochemical variation, residue mobility, and thermodynamic stability) has been performed for this missense variant. However, the output from this modeling did not meet the statistical confidence thresholds required to predict the impact of this variant on ANO5 protein function. In summary, the available evidence is currently insufficient to determine the role of this variant in disease. Therefore, it has been classified as a Variant of Uncertain Significance.

Department of Pathology and Laboratory Medicine, Sinai Health System
Classification: Uncertain significance for autosomal recessive limb-girdle muscular dystrophy. Last evaluated: 2022-09-16. Review status: criteria provided, single submitter. Criteria: ACMG Guidelines, 2015. Collection method: research. Allele origin: germline.

NM_213599.3(ANO5):c.2509A>G (p.Ile837Val)

Gene: ANO5 (anoctamin 5; plus strand). Cytogenetic location: 11p14.3.
Variant type: single nucleotide variant.
Coding change: c.2509A>G on transcript NM_213599.3 (MANE Select); coding-DNA position 2509, A replaced by G.
Protein change: p.Ile837Val; replaces isoleucine 837 with valine.
Molecular consequence: missense variant.
Genome position (GRCh38, 1-based): chr11:22,276,188, A>G. VCF-style: chr11-22276188-A-G. GRCh37 (hg19) VCF-style: chr11-22297734-A-G.
Other names: c.2506A>G, p.Ile836Val (NM_001142649.2); c.2467A>G, p.Ile823Val (NM_001410963.1); c.2464A>G, p.Ile822Val (NM_001410964.1); short protein forms I836V, I823V, I837V, I822V.
Identifiers: ClinVar variation 2142035 (VCV002142035.5), dbSNP rs2494394239, ClinGen allele CA379924706.
Genomic context (GRCh38, chr11:22,276,188, plus strand): 5'-AATAAATATTTTCATAATATGCAATTCTGGCATGTCCTTGCTGCCAAGATGACCTTCATC[A>G]TTGTTATGGAAGTAAGCTGTTCTTAACTTTCATTCGAGTTACTCTCTTCTCTCTTTAGGC-3'
Protein context (NP_998764.1, residues 827-847): HVLAAKMTFI[Ile837Val]VMEHVVFLVK